The following is an entry in ClinVar:

ClinVar aggregate classification (germline): Pathogenic (1 of 4 stars; one submission).

Conditions:
Gorlin syndrome. Also called: Basal cell nevus syndrome; Nevoid Basal Cell Carcinoma Syndrome. Identifiers: Orphanet 377, MedGen C0004779, MONDO:0007187.

Submission:

Labcorp Genetics (formerly Invitae), Labcorp
Classification: Pathogenic for Gorlin syndrome. Last evaluated: 2021-06-04. Review status: criteria provided, single submitter. Criteria: Invitae Variant Classification Sherloc (09022015). Collection method: clinical testing. Allele origin: germline.
Comment: This sequence change creates a premature translational stop signal (p.Phe259Thrfs*9) in the PTCH1 gene. It is expected to result in an absent or disrupted protein product. Loss-of-function variants in PTCH1 are known to be pathogenic (PMID: 16301862, 16419085). This variant is not present in population databases (ExAC no frequency). This variant has not been reported in the literature in individuals with PTCH1-related conditions. For these reasons, this variant has been classified as Pathogenic.

Literature cited by the submitters: PubMed 16301862; PubMed 16419085.

NM_000264.5(PTCH1):c.775_778del (p.Phe259fs)

Gene: PTCH1 (patched 1; minus strand). Cytogenetic location: 9q22.32.
Variant type: Deletion.
Coding change: c.775_778del on transcript NM_000264.5 (MANE Select); coding-DNA positions 775 to 778, 4 bases deleted (TTCG; older notation c.775_778delTTCG).
Protein change: p.Phe259fs; shifts the reading frame from phenylalanine 259.
Molecular consequence: frameshift variant. On other transcripts: non-coding transcript variant (1).
Genome position (GRCh38, 1-based): chr9:95,480,557-95,480,560, CGAA deleted on the plus strand (TTCG on the coding strand, the reverse complement: PTCH1 is on the minus strand). VCF-style (leftmost placement, unchanged base first): chr9-95480556-TCGAA-T. GRCh37 (hg19) VCF-style: chr9-98242838-TCGAA-T.
Other names: c.577_580del, p.Phe193fs (NM_001083602.3); c.772_775del, p.Phe258fs (NM_001083603.3); c.322_325del, p.Phe108fs (NM_001083604.3, NM_001083605.3, NM_001083606.3 and 1 more transcripts); c.775_778del, p.Phe259fs (NM_001354918.2); short protein forms F258fs, F259fs, F108fs, F193fs.
Identifiers: ClinVar variation 1362740 (VCV001362740.6), dbSNP rs2118427012, ClinGen allele CA2573144897.